The following is an entry in ClinVar:

ClinVar aggregate classification (germline): Conflicting classifications of pathogenicity. Review status: criteria provided, conflicting classifications (1 of 4 stars). 2 submissions from 2 submitters: Uncertain significance (1); Likely benign (1). Last evaluated 2025-04-24.

gnomAD v4.1: 22 of 1,613,298 alleles (0.0014%); highest among the groups gnomAD compares: East Asian, 0.0067%; no homozygotes.

Submissions (2):

GeneDx
Classification: Uncertain significance. Last evaluated: 2025-04-24. Review status: criteria provided, single submitter. Criteria: GeneDx Variant Classification Process June 2021. Collection method: clinical testing. Allele origin: germline. Affected: yes.
Comment: Not observed at significant frequency in large population cohorts (gnomAD); Missense variant in a gene in which most reported pathogenic variants are truncating/loss of function; Has not been previously published as pathogenic or benign to our knowledge

Blueprint Genetics
Classification: Likely benign. Last evaluated: 2021-12-15. Review status: criteria provided, single submitter. Criteria: ACMG Guidelines, 2015. Collection method: clinical testing. Allele origin: germline.

NM_001267550.2(TTN):c.75532G>A (p.Asp25178Asn)

Genes: TTN-AS1 (TTN antisense RNA 1; plus strand), TTN (titin; minus strand). Cytogenetic location: 2q31.2.
Variant type: single nucleotide variant.
Coding change: c.75532G>A on transcript NM_001267550.2 (MANE Select); coding-DNA position 75532, G replaced by A.
Protein change: p.Asp25178Asn; replaces aspartic acid 25178 with asparagine.
Molecular consequence: missense variant.
Genome position (GRCh38, 1-based): chr2:178,570,600, C>T on the plus strand (G>A on the coding strand, the complement: TTN is on the minus strand). VCF-style: chr2-178570600-C-T. GRCh37 (hg19) VCF-style: chr2-179435327-C-T.
Other names: c.70609G>A, p.Asp23537Asn (NM_001256850.1); c.48337G>A, p.Asp16113Asn (NM_003319.4); c.67828G>A, p.Asp22610Asn (NM_133378.4); c.48712G>A, p.Asp16238Asn (NM_133432.3); c.48913G>A, p.Asp16305Asn (NM_133437.4); short protein forms D16113N, D16238N, D16305N, D22610N, D23537N, D25178N.
Identifiers: ClinVar variation 4528284 (VCV004528284.2).
Genomic context (GRCh38, chr2:178,570,600, plus strand): 5'-TCACAGTAACTGATCTTTCTCCTGCAACATTTTTGGCCTTCAGTATGTAATTTCCACTGT[C>T]GACACGTACTGCATCTTTTACACTGAGACTGGTGGCAAAGTCGGTGCTCTTTATTTCTAA-3'
Protein context (NP_001254479.2, residues 25168-25188): SLSVKDAVRV[Asp25178Asn]SGNYILKAKN